The following is an entry in ClinVar:

NM_001852.4(COL9A2):c.518T>C (p.Leu173Pro)

Gene: COL9A2 (collagen type IX alpha 2 chain; minus strand). Cytogenetic location: 1p34.2.
Variant type: single nucleotide variant.
Coding change: c.518T>C on transcript NM_001852.4 (MANE Select); coding-DNA position 518, T replaced by C.
Protein change: p.Leu173Pro; replaces leucine 173 with proline.
Molecular consequence: missense variant.
Genome position (GRCh38, 1-based): chr1:40,311,501, A>G on the plus strand (T>C on the coding strand, the complement: COL9A2 is on the minus strand). VCF-style: chr1-40311501-A-G. GRCh37 (hg19) VCF-style: chr1-40777173-A-G.
Other names: short protein forms L173P.
Identifiers: ClinVar variation 1930713 (VCV001930713.5), dbSNP rs1396260028, ClinGen allele CA339856012.

ClinVar aggregate classification (germline): Uncertain significance (1 of 4 stars; one submission).

Allele frequency attached by ClinVar (database versions not stated): TOPMed below 0.00001; gnomAD exomes 0.00001.
gnomAD v4.1: 4 of 1,497,752 alleles (0.00027%); highest among the groups gnomAD compares: Admixed American, 0.0057%; no homozygotes.

Submission:

Labcorp Genetics (formerly Invitae), Labcorp
Classification: Uncertain significance. Last evaluated: 2022-08-30. Review status: criteria provided, single submitter. Criteria: Invitae Variant Classification Sherloc (09022015). Collection method: clinical testing. Allele origin: germline.
Comment: In summary, the available evidence is currently insufficient to determine the role of this variant in disease. Therefore, it has been classified as a Variant of Uncertain Significance. Algorithms developed to predict the effect of missense changes on protein structure and function are either unavailable or do not agree on the potential impact of this missense change (SIFT: "Deleterious"; PolyPhen-2: "Possibly Damaging"; Align-GVGD: "Class C0"). This variant has not been reported in the literature in individuals affected with COL9A2-related conditions. This variant is present in population databases (no rsID available, gnomAD 0.009%). This sequence change replaces leucine, which is neutral and non-polar, with proline, which is neutral and non-polar, at codon 173 of the COL9A2 protein (p.Leu173Pro).